The following is an entry in ClinVar:

ClinVar aggregate classification (germline): Pathogenic (1 of 4 stars; one submission).

Conditions:
Hereditary cancer-predisposing syndrome. Also called: Neoplastic Syndromes, Hereditary; Tumor predisposition; Hereditary Cancer Syndrome; Hereditary neoplastic syndrome. Identifiers: Orphanet 140162, MedGen C0027672, MeSH D009386, MONDO:0015356.

Submission:

Ambry Genetics
Classification: Pathogenic for Hereditary cancer-predisposing syndrome. Last evaluated: 2021-05-26. Review status: criteria provided, single submitter. Criteria: Ambry Variant Classification Scheme 2023. Collection method: clinical testing. Allele origin: germline.
Comment: The c.1638_1639delGGinsA pathogenic mutation, located in coding exon 4 of the MSH6 gene, results from the deletion of two nucleotides and insertion of one nucleotide causing a translational frameshift with a predicted alternate stop codon (p.E547Kfs*24). This alteration is expected to result in loss of function by premature protein truncation or nonsense-mediated mRNA decay. As such, this alteration is interpreted as a disease-causing mutation.

NM_000179.3(MSH6):c.1638_1639delinsA (p.Glu547fs)

Gene: MSH6 (mutS homolog 6; plus strand). Cytogenetic location: 2p16.3.
Variant type: Indel.
Coding change: c.1638_1639delinsA on transcript NM_000179.3 (MANE Select); coding-DNA positions 1638 to 1639, GG replaced by A.
Protein change: p.Glu547fs; shifts the reading frame from glutamic acid 547.
Molecular consequence: frameshift variant.
Genome position (GRCh38, 1-based): chr2:47,799,621-47,799,622, GG replaced by A. VCF-style: chr2-47799621-GG-A. GRCh37 (hg19) VCF-style: chr2-48026760-GG-A.
Other names: c.1248_1249delinsA, p.Glu417fs (NM_001281492.2); c.732_733delinsA, p.Glu245fs (NM_001281493.2, NM_001281494.2); c.1734_1735delGGinsA, p.Glu579Lysfs (NM_001406795.1, NM_001406802.1); c.1638_1639delGGinsA, p.Glu547Lysfs (NM_001406796.1, NM_001406798.1, NM_001406800.1 and 3 more transcripts); c.1341_1342delGGinsA, p.Glu448Lysfs (NM_001406797.1, NM_001406801.1, NM_001406805.1 and 10 more transcripts); c.1113_1114delGGinsA, p.Glu372Lysfs (NM_001406799.1, NM_001406806.1, NM_001406807.1); c.1560_1561delGGinsA, p.Glu521Lysfs (NM_001406804.1); c.732_733delGGinsA, p.Glu245Lysfs (NM_001406811.1, NM_001406812.1, NM_001406814.1 and 4 more transcripts); and 2 more; short protein forms E245fs, E547fs, E417fs.
Identifiers: ClinVar variation 1776954 (VCV001776954.2), dbSNP rs1572723786, ClinGen allele CA2580067661.